The following is an entry in ClinVar:

NM_001002295.2(GATA3):c.169G>A (p.Gly57Ser)

Gene: GATA3 (GATA binding protein 3; plus strand). Cytogenetic location: 10p14.
Variant type: single nucleotide variant.
Coding change: c.169G>A on transcript NM_001002295.2 (MANE Select); coding-DNA position 169, G replaced by A.
Protein change: p.Gly57Ser; replaces glycine 57 with serine.
Molecular consequence: missense variant.
Genome position (GRCh38, 1-based): chr10:8,055,824, G>A. VCF-style: chr10-8055824-G-A. GRCh37 (hg19) VCF-style: chr10-8097787-G-A.
Other names: c.169G>A, p.Gly57Ser (NM_002051.3); short protein forms G57S.
Identifiers: ClinVar variation 1472820 (VCV001472820.6), dbSNP rs2131482968, ClinGen allele CA375965461.

ClinVar aggregate classification (germline): Uncertain significance (1 of 4 stars; one submission).

Allele frequency attached by ClinVar (database versions not stated): gnomAD exomes below 0.00001.
gnomAD v4.1: 1 of 1,590,238 alleles (0.000063%); highest among the groups gnomAD compares: African/African-American, 0.0013%; no homozygotes.

Submission:

Labcorp Genetics (formerly Invitae), Labcorp
Classification: Uncertain significance. Last evaluated: 2023-08-04. Review status: criteria provided, single submitter. Criteria: Invitae Variant Classification Sherloc (09022015). Collection method: clinical testing. Allele origin: germline.
Comment: In summary, the available evidence is currently insufficient to determine the role of this variant in disease. Therefore, it has been classified as a Variant of Uncertain Significance. Advanced modeling of protein sequence and biophysical properties (such as structural, functional, and spatial information, amino acid conservation, physicochemical variation, residue mobility, and thermodynamic stability) performed at Invitae indicates that this missense variant is not expected to disrupt GATA3 protein function. ClinVar contains an entry for this variant (Variation ID: 1472820). This variant has not been reported in the literature in individuals affected with GATA3-related conditions. This variant is not present in population databases (gnomAD no frequency). This sequence change replaces glycine, which is neutral and non-polar, with serine, which is neutral and polar, at codon 57 of the GATA3 protein (p.Gly57Ser).